The following is an entry in ClinVar:

ClinVar aggregate classification (germline): Uncertain significance. Review status: criteria provided, multiple submitters, no conflicts (2 of 4 stars). 6 submissions from 6 submitters: Uncertain significance (6). Last evaluated 2026-01-22.

Conditions:
Ataxia-telangiectasia-like disorder (ATLD). Identifiers: MedGen C1858391, MONDO:0011457.
Hereditary cancer-predisposing syndrome. Also called: Tumor predisposition; Neoplastic Syndromes, Hereditary; Hereditary neoplastic syndrome; Hereditary Cancer Syndrome. Identifiers: Orphanet 140162, MedGen C0027672, MeSH D009386, MONDO:0015356.
Ataxia-telangiectasia-like disorder 1 (ATLD1). Identifiers: Orphanet 251347, MedGen C4012790, MONDO:0024557, OMIM 604391.

Allele frequency attached by ClinVar (database versions not stated): gnomAD 0.00001; gnomAD exomes 0.00001; TOPMed 0.00001.
gnomAD v4.1: 5 of 1,613,888 alleles (0.00031%); highest among the groups gnomAD compares: Admixed American, 0.0083%; no homozygotes.

Submissions (6):

Labcorp Genetics (formerly Invitae), Labcorp
Classification: Uncertain significance for Ataxia-telangiectasia-like disorder. Last evaluated: 2026-01-22. Review status: criteria provided, single submitter. Criteria: Invitae Variant Classification Sherloc (09022015). Collection method: clinical testing. Allele origin: germline.
Comment: This sequence change replaces leucine, which is neutral and non-polar, with arginine, which is basic and polar, at codon 493 of the MRE11 protein (p.Leu493Arg). This variant is not present in population databases (gnomAD no frequency). This variant has not been reported in the literature in individuals affected with MRE11-related conditions. ClinVar contains an entry for this variant (Variation ID: 186706). An algorithm developed to predict the effect of missense changes on protein structure and function (PolyPhen-2) suggests that this variant is likely to be tolerated. In summary, the available evidence is currently insufficient to determine the role of this variant in disease. Therefore, it has been classified as a Variant of Uncertain Significance.

Ambry Genetics
Classification: Uncertain significance for Hereditary cancer-predisposing syndrome. Last evaluated: 2024-05-02. Review status: criteria provided, single submitter. Criteria: Ambry Variant Classification Scheme 2023. Collection method: clinical testing. Allele origin: germline.
Comment: The p.L493R variant (also known as c.1478T>G), located in coding exon 12 of the MRE11A gene, results from a T to G substitution at nucleotide position 1478. The leucine at codon 493 is replaced by arginine, an amino acid with dissimilar properties. This amino acid position is not well conserved in available vertebrate species. In addition, this alteration is predicted to be tolerated by in silico analysis. Since supporting evidence is limited at this time, the clinical significance of this alteration remains unclear.

Baylor Genetics
Classification: Uncertain significance for Ataxia-telangiectasia-like disorder 1. Last evaluated: 2024-03-21. Review status: criteria provided, single submitter. Criteria: ACMG Guidelines, 2015. Collection method: clinical testing. Allele origin: unknown.

Athena Diagnostics
Classification: Uncertain significance. Last evaluated: 2021-11-29. Review status: criteria provided, single submitter. Criteria: Athena Diagnostics Criteria. Collection method: clinical testing. Allele origin: unknown.

Blueprint Genetics
Classification: Uncertain significance. Last evaluated: 2019-11-11. Review status: criteria provided, single submitter. Criteria: ACMG Guidelines, 2015. Collection method: clinical testing. Allele origin: germline.

Fulgent Genetics
Classification: Uncertain significance for Ataxia-telangiectasia-like disorder 1. Last evaluated: 2018-10-31. Review status: criteria provided, single submitter. Criteria: ACMG Guidelines, 2015. Collection method: clinical testing. Allele origin: unknown.

NM_005591.4(MRE11):c.1478T>G (p.Leu493Arg)

Gene: MRE11 (MRE11 double strand break repair nuclease; minus strand). Cytogenetic location: 11q21.
Variant type: single nucleotide variant.
Coding change: c.1478T>G on transcript NM_005591.4 (MANE Select); coding-DNA position 1478, T replaced by G.
Protein change: p.Leu493Arg; replaces leucine 493 with arginine.
Molecular consequence: missense variant.
Genome position (GRCh38, 1-based): chr11:94,459,430, A>C on the plus strand (T>G on the coding strand, the complement: MRE11 is on the minus strand). VCF-style: chr11-94459430-A-C. GRCh37 (hg19) VCF-style: chr11-94192596-A-C.
Other names: c.1478T>G, p.Leu493Arg (NM_001330347.2, NM_005590.4); short protein forms L493R.
Identifiers: ClinVar variation 186706 (VCV000186706.20), dbSNP rs786203158, ClinGen allele CA195617.
Genomic context (GRCh38, chr11:94,459,430, plus strand): 5'-TATTTAAATAGACCTAGACACTCAAATTAGTTACTTACCTCCTCATCGATTTTGTCTTCG[A>C]GGGCATCAATATGACGTTCTTTAAGAAATCGCTGTGTTTTTTCCAACTGGTATTTCACTA-3'
Protein context (NP_005582.1, residues 483-503): RFLKERHIDA[Leu493Arg]EDKIDEEVRR